The following is an entry in ClinVar:

NM_018834.6(MATR3):c.189A>G (p.Ser63=)

Gene: MATR3 (matrin 3; plus strand). Cytogenetic location: 5q31.2.
Variant type: single nucleotide variant.
Coding change: c.189A>G on transcript NM_018834.6 (MANE Select); coding-DNA position 189, A replaced by G.
Protein change: p.Ser63=; no amino-acid change (serine 63 retained).
Molecular consequence: synonymous variant. On other transcripts: intron variant (11).
Genome position (GRCh38, 1-based): chr5:139,307,604, A>G. VCF-style: chr5-139307604-A-G. GRCh37 (hg19) VCF-style: chr5-138643293-A-G.
Other names: c.189A>G, p.Ser63= (NM_001194954.2, NM_001194955.2, NM_001400441.1 and 16 more transcripts); c.52-7071A>G (NM_001400459.1); c.-102-7071A>G (NM_001400463.1, NM_001400460.1, NM_001282278.2 and 3 more transcripts); c.-40-8093A>G (NM_001400462.1, NM_001400467.1); c.13-7071A>G (NM_001400461.1); c.49-7071A>G (NM_001194956.2).
Identifiers: ClinVar variation 2498982 (VCV002498982.30), dbSNP rs2546755417, ClinGen allele CA446829475.

ClinVar aggregate classification (germline): Conflicting classifications of pathogenicity. Review status: criteria provided, conflicting classifications (1 of 4 stars). 2 submissions from 2 submitters: Uncertain significance (1); Likely benign (1). Last evaluated 2024-04-02.

Conditions:
Amyotrophic lateral sclerosis type 21. Also called: VOCAL CORD AND PHARYNGEAL DYSFUNCTION WITH DISTAL MYOPATHY; MYOPATHY, DISTAL, 2. Identifiers: Orphanet 600, Orphanet 803, MedGen C3807521, MONDO:0011632, OMIM 606070.

Submissions (2):

Labcorp Genetics (formerly Invitae), Labcorp
Classification: Likely benign for Amyotrophic lateral sclerosis type 21. Last evaluated: 2024-04-02. Review status: criteria provided, single submitter. Criteria: Invitae Variant Classification Sherloc (09022015). Collection method: clinical testing. Allele origin: germline.

CeGaT Center for Human Genetics Tuebingen
Classification: Uncertain significance. Last evaluated: 2023-02-01. Review status: criteria provided, single submitter. Criteria: CeGaT Center For Human Genetics Tuebingen Variant Classification Criteria Version 2. Collection method: clinical testing. Allele origin: germline. Affected: yes. Observed: 1 variant allele.
Comment: MATR3: PM2:Supporting, BP4